The following is an entry in ClinVar:

NC_000005.10:g.112707488T>C

Genes: APC (APC regulator of Wnt signaling pathway; plus strand), LOC129994371 (ATAC-STARR-seq lymphoblastoid active region 22910; plus strand). Cytogenetic location: 5q22.2.
Variant type: single nucleotide variant.
Genome position: GRCh38 VCF-style: chr5-112707488-T-C. GRCh37 (hg19) VCF-style: chr5-112043185-T-C.
Identifiers: ClinVar variation 1512125 (VCV001512125.6), dbSNP rs2149629054, ClinGen allele CA2573138770.

ClinVar aggregate classification (germline): Uncertain significance (1 of 4 stars; one submission).

Conditions:
Familial adenomatous polyposis 1 (FAP1). Also called: FAMILIAL ADENOMATOUS POLYPOSIS 1, ATTENUATED; POLYPOSIS, ADENOMATOUS INTESTINAL. Identifiers: MedGen C2713442, MONDO:0021056, OMIM 175100. Disease mechanism: loss of function.

Submission:

Labcorp Genetics (formerly Invitae), Labcorp
Classification: Uncertain significance for Familial adenomatous polyposis 1. Last evaluated: 2021-04-14. Review status: criteria provided, single submitter. Criteria: Invitae Variant Classification Sherloc (09022015). Collection method: clinical testing. Allele origin: germline.
Comment: In summary, the available evidence is currently insufficient to determine the role of this variant in disease. Therefore, it has been classified as a Variant of Uncertain Significance. Experimental studies and prediction algorithms are not available or were not evaluated, and the functional significance of this variant is currently unknown. This variant has not been reported in the literature in individuals with APC-related conditions. The frequency data for this variant in the population databases is considered unreliable, as metrics indicate insufficient coverage at this position in the ExAC database. This variant occurs in a non-coding region of the APC gene. It does not change the encoded amino acid sequence of the APC protein.